The following is an entry in ClinVar:

ClinVar aggregate classification (germline): Uncertain significance (1 of 4 stars; one submission).

Conditions:
Weaver syndrome (WVS). Also called: Weaver Smith syndrome; Overgrowth syndrome with accelerated skeletal maturation, unusual facies, and camptodactyly. Identifiers: Orphanet 3447, MedGen C0265210, MONDO:0010193, OMIM 277590.

Submission:

Institute of Human Genetics, University of Leipzig Medical Center
Classification: Uncertain significance for Weaver syndrome. Last evaluated: 2026-06-01. Review status: criteria provided, single submitter. Criteria: ACMG Guidelines, 2015. Collection method: clinical testing. Allele origin: unknown. Inheritance: Autosomal dominant inheritance. Affected: yes.
Comment: Criteria applied: PM2,PP2,PP3

NM_004456.5(EZH2):c.509T>G (p.Ile170Ser)

Gene: EZH2 (enhancer of zeste 2 polycomb repressive complex 2 subunit; minus strand). Cytogenetic location: 7q36.1.
Variant type: single nucleotide variant.
Coding change: c.509T>G on transcript NM_004456.5 (MANE Select); coding-DNA position 509, T replaced by G.
Protein change: p.Ile170Ser; replaces isoleucine 170 with serine.
Molecular consequence: missense variant.
Genome position (GRCh38, 1-based): chr7:148,828,856, A>C on the plus strand (T>G on the coding strand, the complement: EZH2 is on the minus strand). VCF-style: chr7-148828856-A-C. GRCh37 (hg19) VCF-style: chr7-148525948-A-C.
Other names: c.509T>G, p.Ile170Ser (NM_001203247.2); c.482T>G, p.Ile161Ser (NM_001203248.2, NM_001203249.2); c.392T>G, p.Ile131Ser (NM_152998.3); short protein forms I131S, I161S, I170S.
Identifiers: ClinVar variation 4879406 (VCV004879406.1).
Genomic context (GRCh38, chr7:148,828,856, plus strand): 5'-CCATCATCATCATCGTCATCATCATTATATTGACCAAGGGCATTCACCAACTCCACAAAA[A>C]TTTCATCATTTATAAACCCACATTCTGAAACGCATCAAATGTCAGAAACACACAGGAGAA-3'
Protein context (NP_004447.2, residues 160-180): DRECGFINDE[Ile170Ser]FVELVNALGQ